The following is an entry in ClinVar:

NM_033087.4(ALG2):c.214_224delinsAGTCCCCG (p.Gly72_Leu75delinsSerProArg)

Gene: ALG2 (ALG2 alpha-1,3/1,6-mannosyltransferase; minus strand). Cytogenetic location: 9q22.33.
Variant type: Indel.
Coding change: c.214_224delinsAGTCCCCG on transcript NM_033087.4 (MANE Select); coding-DNA positions 214 to 224, GGGGACTGGCT replaced by AGTCCCCG.
Protein change: p.Gly72_Leu75delinsSerProArg.
Molecular consequence: inframe indel. On other transcripts: non-coding transcript variant (1).
Genome position (GRCh38, 1-based): chr9:99,221,671-99,221,681, AGCCAGTCCCC replaced by CGGGGACT on the plus strand (GGGGACTGGCT replaced by AGTCCCCG on the coding strand, the reverse complement: ALG2 is on the minus strand). VCF-style: chr9-99221671-AGCCAGTCCCC-CGGGGACT. GRCh37 (hg19) VCF-style: chr9-101983953-AGCCAGTCCCC-CGGGGACT.
Other names: p.Gly72_Leu75delinsSerProArg; DEL/INS, NT214.
Identifiers: ClinVar variation 183018 (VCV000183018.30), dbSNP rs730882123, ClinGen allele CA185981.

ClinVar aggregate classification (germline): Pathogenic/Likely pathogenic. Review status: criteria provided, multiple submitters, no conflicts (2 of 4 stars). 3 submissions from 3 submitters: Pathogenic (1); Likely pathogenic (1). 1 of the submissions does not count toward it. Last evaluated 2023-11-06.

Conditions:
Congenital myasthenic syndrome 14. Also called: Myasthenic syndrome, congenital, 14, with tubular aggregates. Identifiers: Orphanet 353327, Orphanet 590, MedGen C4015597, MONDO:0014543, OMIM 616228.

Submissions (3):

Mayo Clinic Laboratories, Mayo Clinic
Classification: Pathogenic. Last evaluated: 2023-11-06. Review status: criteria provided, single submitter. Criteria: ACMG Guidelines, 2015. Collection method: clinical testing. Allele origin: germline. Observed: 1 variant allele.
Comment: PP1_strong, PM2_moderate, PM3, PM4, PS4_moderate

Department of Clinical Genetics, Aarhus University Hospital
Classification: Likely pathogenic for Congenital myasthenic syndrome 14. Review status: criteria provided, single submitter. Criteria: ACMG Guidelines, 2015. Collection method: clinical testing. Allele origin: germline. Inheritance: Autosomal recessive inheritance. Affected: yes. Observed: 2 variant alleles.
Comment: The variant is not seen in the gnomAD 4.1 database. The variant is an in-frame indel in the ALG2-gene. The same variant is reported in a homozygous state in other patients with ALG2-related disorder. According to the ACMG guidelines, this variant is interpreted as likely pathogenic (PM2_supporting, PM3_moderate, PP1_moderate, PM4_supporting).

OMIM
Classification: Pathogenic for MYASTHENIC SYNDROME, CONGENITAL, 14. Last evaluated: 2014-04-01. Review status: no assertion criteria provided. Collection method: literature only. Allele origin: germline. Not counted in ClinVar's aggregate classification.

Literature cited by the submitters: PubMed 23404334 (cited by 3 submitters); PubMed 24461433 (cited by 3 submitters); PubMed 28940310 (cited by Mayo Clinic Laboratories, Mayo Clinic).